The following is an entry in ClinVar:

NM_014423.4(AFF4):c.2064T>C (p.Phe688=)

Gene: AFF4 (ALF transcription elongation factor 4; minus strand). Cytogenetic location: 5q31.1.
Variant type: single nucleotide variant.
Coding change: c.2064T>C on transcript NM_014423.4 (MANE Select); coding-DNA position 2064, T replaced by C.
Protein change: p.Phe688=; no amino-acid change (phenylalanine 688 retained).
Molecular consequence: synonymous variant.
Genome position (GRCh38, 1-based): chr5:132,896,566, A>G on the plus strand (T>C on the coding strand, the complement: AFF4 is on the minus strand). VCF-style: chr5-132896566-A-G. GRCh37 (hg19) VCF-style: chr5-132232258-A-G.
Other names: c.2064T>C (NM_014423.3).
Identifiers: ClinVar variation 4731900 (VCV004731900.2).
Genomic context (GRCh38, chr5:132,896,566, plus strand): 5'-AGGCTCACTGAGGGGTGAAAGAAGTTCCTTCTCTTCCATAGGAGAGAACATTCGTTGCCG[A>G]AAAAAGCTATCTTCTTCCTCCACTGAGGAGGGTTTAACAGGAGTCCTATTGCTCTCGGGG-3'
Protein context (NP_055238.1, residues 678-698): PSSVEEEDSF[Phe688=]RQRMFSPMEE

ClinVar aggregate classification (germline): Likely benign. Review status: criteria provided, multiple submitters, no conflicts (2 of 4 stars). 2 submissions from 2 submitters: Likely benign (2). Last evaluated 2025-12-02.

Conditions:
Cognitive impairment - coarse facies - heart defects - obesity - pulmonary involvement - short stature - skeletal dysplasia syndrome. Also called: AFF4-Related CHOPS Syndrome; COGNITIVE IMPAIRMENT, COARSE FACIES, HEART DEFECTS, OBESITY, PULMONARY INVOLVEMENT, SHORT STATURE, AND SKELETAL DYSPLASIA; Chops syndrome. Identifiers: Orphanet 444077, MedGen C4085597, MONDO:0014609, OMIM 616368.
AFF4-related disorder. Also called: AFF4-related condition.

gnomAD v4.1: 3 of 1,613,916 alleles (0.00019%); highest among the groups gnomAD compares: African/African-American, 0.0027%; no homozygotes.

Submissions (2):

Labcorp Genetics (formerly Invitae), Labcorp
Classification: Likely benign for Cognitive impairment - coarse facies - heart defects - obesity - pulmonary involvement - short stature - skeletal dysplasia syndrome. Last evaluated: 2025-12-02. Review status: criteria provided, single submitter. Criteria: Invitae Variant Classification Sherloc (09022015). Collection method: clinical testing. Allele origin: germline.

PreventionGenetics, part of Exact Sciences
Classification: Likely benign for AFF4-related condition. Last evaluated: 2025-11-18. Review status: criteria provided, single submitter. Criteria: ACMG Guidelines, 2015. Collection method: clinical testing. Allele origin: germline.
Comment: This variant is classified as likely benign based on ACMG/AMP sequence variant interpretation guidelines (Richards et al. 2015 PMID: 25741868, with internal and published modifications).